The following is an entry in ClinVar:

NM_022114.4(PRDM16):c.1544C>T (p.Pro515Leu)

Gene: PRDM16 (PR/SET domain 16; plus strand). Cytogenetic location: 1p36.32.
Variant type: single nucleotide variant.
Coding change: c.1544C>T on transcript NM_022114.4 (MANE Select); coding-DNA position 1544, C replaced by T.
Protein change: p.Pro515Leu; replaces proline 515 with leucine.
Molecular consequence: missense variant.
Genome position (GRCh38, 1-based): chr1:3,411,741, C>T. VCF-style: chr1-3411741-C-T. GRCh37 (hg19) VCF-style: chr1-3328305-C-T.
Other names: c.1544C>T, p.Pro515Leu (NM_199454.3); short protein forms P515L.
Identifiers: ClinVar variation 3378308 (VCV003378308.1).
Genomic context (GRCh38, chr1:3,411,741, plus strand): 5'-CGGGGAGCCTGCCCTTCTCCACGGCGCCTCCCACGTTCCCCGCACTCACCCCCGGCTTCC[C>T]GGGCATCTTCCCTCCATCCTTGTACCCCCGGCCGCCTCTGCTACCTCCCACATCGCTGCT-3'
Protein context (NP_071397.3, residues 505-525): PTFPALTPGF[Pro515Leu]GIFPPSLYPR

ClinVar aggregate classification (germline): Uncertain significance (1 of 4 stars; one submission).

gnomAD v4.1: 19 of 1,611,672 alleles (0.0012%); highest among the groups gnomAD compares: African/African-American, 0.0027%; no homozygotes.

Submission:

GeneDx
Classification: Uncertain significance. Last evaluated: 2024-05-13. Review status: criteria provided, single submitter. Criteria: GeneDx Variant Classification Process June 2021. Collection method: clinical testing. Allele origin: germline. Affected: yes.
Comment: Not observed at significant frequency in large population cohorts (gnomAD); In silico analysis supports that this missense variant has a deleterious effect on protein structure/function; Has not been previously published as pathogenic or benign to our knowledge